The following is an entry in ClinVar:

ClinVar aggregate classification (germline): Uncertain significance (1 of 4 stars; one submission).

Conditions:
Immunodeficiency 51 (IMD51). Also called: CANDIDIASIS, FAMILIAL, 5. Identifiers: Orphanet 1334, MedGen C4310803, MONDO:0013500, OMIM 613953.

Allele frequency attached by ClinVar (database versions not stated): gnomAD exomes below 0.00001; gnomAD 0.00001; TOPMed 0.00005.
gnomAD v4.1: 3 of 1,606,728 alleles (0.00019%); highest among the groups gnomAD compares: African/African-American, 0.0027%; no homozygotes.

Submission:

Labcorp Genetics (formerly Invitae), Labcorp
Classification: Uncertain significance for Immunodeficiency 51. Last evaluated: 2022-12-31. Review status: criteria provided, single submitter. Criteria: Invitae Variant Classification Sherloc (09022015). Collection method: clinical testing. Allele origin: germline.
Comment: This sequence change replaces arginine, which is basic and polar, with histidine, which is basic and polar, at codon 535 of the IL17RA protein (p.Arg535His). This variant is present in population databases (no rsID available, gnomAD 0.004%). This variant has not been reported in the literature in individuals affected with IL17RA-related conditions. Advanced modeling of protein sequence and biophysical properties (such as structural, functional, and spatial information, amino acid conservation, physicochemical variation, residue mobility, and thermodynamic stability) performed at Invitae indicates that this missense variant is expected to disrupt IL17RA protein function. In summary, the available evidence is currently insufficient to determine the role of this variant in disease. Therefore, it has been classified as a Variant of Uncertain Significance.

NM_014339.7(IL17RA):c.1604G>A (p.Arg535His)

Gene: IL17RA (interleukin 17 receptor A; plus strand). Cytogenetic location: 22q11.1.
Variant type: single nucleotide variant.
Coding change: c.1604G>A on transcript NM_014339.7 (MANE Select); coding-DNA position 1604, G replaced by A.
Protein change: p.Arg535His; replaces arginine 535 with histidine.
Molecular consequence: missense variant.
Genome position (GRCh38, 1-based): chr22:17,108,823, G>A. VCF-style: chr22-17108823-G-A. GRCh37 (hg19) VCF-style: chr22-17589713-G-A.
Other names: c.1502G>A, p.Arg501His (NM_001289905.2); short protein forms R501H, R535H.
Identifiers: ClinVar variation 2160203 (VCV002160203.3), dbSNP rs1415141558, ClinGen allele CA410217930.
Genomic context (GRCh38, chr22:17,108,823, plus strand): 5'-ACCTGTTCGGCGCGGCGCCGCGGTACCCGCTCATGGACAGGTTCGAGGAGGTGTACTTCC[G>A]CATCCAGGACCTGGAGATGTTCCAGCCGGGCCGCATGCACCGCGTAGGGGAGCTGTCGGG-3'
Protein context (NP_055154.3, residues 525-545): LMDRFEEVYF[Arg535His]IQDLEMFQPG